The following is an entry in ClinVar:

ClinVar aggregate classification (germline): Uncertain significance. Review status: criteria provided, multiple submitters, no conflicts (2 of 4 stars). 3 submissions from 3 submitters: Uncertain significance (3). Last evaluated 2023-12-06.

Conditions:
Severe combined immunodeficiency due to DCLRE1C deficiency (RS-SCID). Also called: SCID, AUTOSOMAL RECESSIVE, T CELL-NEGATIVE, B CELL-NEGATIVE, NK CELL-POSITIVE, WITH SENSITIVITY TO IONIZING RADIATION. Identifiers: Orphanet 275, MedGen C1865371, MONDO:0011225, OMIM 602450.

Allele frequency attached by ClinVar (database versions not stated): gnomAD exomes 0.00001 and below 0.00001; gnomAD 0.00002; TOPMed 0.00002.
gnomAD v4.1: 9 of 1,614,024 alleles (0.00056%); highest among the groups gnomAD compares: African/African-American, 0.0093%; no homozygotes.

Submissions (3):

Labcorp Genetics (formerly Invitae), Labcorp
Classification: Uncertain significance for Athabaskan severe combined immunodeficiency. Last evaluated: 2023-12-06. Review status: criteria provided, single submitter. Criteria: Invitae Variant Classification Sherloc (09022015). Collection method: clinical testing. Allele origin: germline.
Comment: This sequence change replaces arginine, which is basic and polar, with glycine, which is neutral and non-polar, at codon 430 of the DCLRE1C protein (p.Arg430Gly). This variant is present in population databases (no rsID available, gnomAD 0.007%). This variant has not been reported in the literature in individuals affected with DCLRE1C-related conditions. ClinVar contains an entry for this variant (Variation ID: 499762). Algorithms developed to predict the effect of missense changes on protein structure and function output the following: SIFT: "Not Available"; PolyPhen-2: "Benign"; Align-GVGD: "Not Available". The glycine amino acid residue is found in multiple mammalian species, which suggests that this missense change does not adversely affect protein function. In summary, the available evidence is currently insufficient to determine the role of this variant in disease. Therefore, it has been classified as a Variant of Uncertain Significance.

Pars Genome Lab
Classification: Uncertain significance for Severe combined immunodeficiency due to DCLRE1C deficiency. Last evaluated: 2021-05-18. Review status: criteria provided, single submitter. Criteria: ACMG Guidelines, 2015. Collection method: clinical testing. Allele origin: germline. Affected: no.

Eurofins Ntd Llc (ga)
Classification: Uncertain significance. Last evaluated: 2017-01-26. Review status: criteria provided, single submitter. Criteria: EGL Classification Definitions 2015. Collection method: clinical testing. Allele origin: germline. Observed: 1 variant allele, 1 heterozygote.

NM_001033855.3(DCLRE1C):c.1288A>G (p.Arg430Gly)

Gene: DCLRE1C (DNA cross-link repair 1C; minus strand). Cytogenetic location: 10p13.
Variant type: single nucleotide variant.
Coding change: c.1288A>G on transcript NM_001033855.3 (MANE Select); coding-DNA position 1288, A replaced by G.
Protein change: p.Arg430Gly; replaces arginine 430 with glycine.
Molecular consequence: missense variant. On other transcripts: non-coding transcript variant (4).
Genome position (GRCh38, 1-based): chr10:14,909,199, T>C on the plus strand (A>G on the coding strand, the complement: DCLRE1C is on the minus strand). VCF-style: chr10-14909199-T-C. GRCh37 (hg19) VCF-style: chr10-14951198-T-C.
Other names: c.928A>G, p.Arg310Gly (NM_001033857.3, NM_001033858.3, NM_001289077.2 and 2 more transcripts); c.943A>G, p.Arg315Gly (NM_001289076.2, NM_001289078.2, NM_001350966.2 and 1 more transcripts); c.1288A>G, p.Arg430Gly (NM_001350965.2); short protein forms R430G, R310G, R315G.
Identifiers: ClinVar variation 499762 (VCV000499762.8), dbSNP rs1459486949, ClinGen allele CA376076269.
Genomic context (GRCh38, chr10:14,909,199, plus strand): 5'-CAAAGTTTGTGAAACGAGAGCTCTGCATACACTCTGCTCTGCAGCATCCTGGGGTTTGTC[T>C]CAGTTTTTCAGGCTGCTTTTCTGATACTGCAGTCATTGAAAATACCTCAGGGTGAAAAGT-3'
Protein context (NP_001029027.1, residues 420-440): AVSEKQPEKL[Arg430Gly]QTPGCCRAEC